The following is an entry in ClinVar:

ClinVar aggregate classification (germline): Likely benign (0 of 4 stars; one submission).

Conditions:
HK2-related disorder. Also called: HK2-related condition.

Allele frequency attached by ClinVar (database versions not stated): 1000 Genomes Project 30x 0.00016; 1000 Genomes Project 0.00020; TOPMed 0.00027; ESP Exome Variant Server 0.00038; ExAC 0.00052.

Submission:

PreventionGenetics, part of Exact Sciences
Classification: Likely benign for HK2-related condition. Last evaluated: 2019-03-25. Review status: no assertion criteria provided. Collection method: clinical testing. Allele origin: germline.
Comment: This variant is classified as likely benign based on ACMG/AMP sequence variant interpretation guidelines (Richards et al. 2015 PMID: 25741868, with internal and published modifications).

NM_000189.5(HK2):c.1758C>T (p.Leu586=)

Gene: HK2 (hexokinase 2; plus strand). Cytogenetic location: 2p12.
Variant type: single nucleotide variant.
Coding change: c.1758C>T on transcript NM_000189.5 (MANE Select); coding-DNA position 1758, C replaced by T.
Protein change: p.Leu586=; no amino-acid change (leucine 586 retained).
Molecular consequence: synonymous variant.
Genome position (GRCh38, 1-based): chr2:74,882,158, C>T. VCF-style: chr2-74882158-C-T. GRCh37 (hg19) VCF-style: chr2-75109285-C-T.
Other names: c.1674C>T, p.Leu558= (NM_001371525.2).
Identifiers: ClinVar variation 3037212 (VCV003037212.2), dbSNP rs140362296, ClinGen allele CA1731524.